The following is an entry in ClinVar:

ClinVar aggregate classification (germline): Uncertain significance. Review status: criteria provided, multiple submitters, no conflicts (2 of 4 stars). 2 submissions from 2 submitters: Uncertain significance (2). Last evaluated 2021-01-04.

Allele frequency attached by ClinVar (database versions not stated): gnomAD exomes 0.00001 and 0.00002; ExAC 0.00002; TOPMed 0.00002; ESP Exome Variant Server 0.00008.
gnomAD v4.1: 13 of 1,613,494 alleles (0.00081%); highest among the groups gnomAD compares: Non-Finnish European, 0.000085%; no homozygotes.

Submissions (2):

Labcorp Genetics (formerly Invitae), Labcorp
Classification: Uncertain significance. Last evaluated: 2021-01-04. Review status: criteria provided, single submitter. Criteria: Invitae Variant Classification Sherloc (09022015). Collection method: clinical testing. Allele origin: germline.
Comment: Algorithms developed to predict the effect of missense changes on protein structure and function (SIFT, PolyPhen-2, Align-GVGD) all suggest that this variant is likely to be tolerated, but these predictions have not been confirmed by published functional studies and their clinical significance is uncertain. In summary, the available evidence is currently insufficient to determine the role of this variant in disease. Therefore, it has been classified as a Variant of Uncertain Significance. This variant has not been reported in the literature in individuals with CNGA1-related conditions. This variant is present in population databases (rs370181922, ExAC 0.003%). This sequence change replaces serine with proline at codon 50 of the CNGA1 protein (p.Ser50Pro). The serine residue is moderately conserved and there is a moderate physicochemical difference between serine and proline.

Blueprint Genetics
Classification: Uncertain significance. Last evaluated: 2019-09-21. Review status: criteria provided, single submitter. Criteria: ACMG Guidelines, 2015. Collection method: clinical testing. Allele origin: germline.

NM_001379270.1(CNGA1):c.136T>C (p.Ser46Pro)

Genes: CNGA1 (cyclic nucleotide gated channel subunit alpha 1; minus strand), LOC101927157 (uncharacterized LOC101927157; plus strand). Cytogenetic location: 4p12.
Variant type: single nucleotide variant.
Coding change: c.136T>C on transcript NM_001379270.1 (MANE Select); coding-DNA position 136, T replaced by C.
Protein change: p.Ser46Pro; replaces serine 46 with proline.
Molecular consequence: missense variant.
Genome position (GRCh38, 1-based): chr4:47,951,441, A>G on the plus strand (T>C on the coding strand, the complement: CNGA1 is on the minus strand). VCF-style: chr4-47951441-A-G. GRCh37 (hg19) VCF-style: chr4-47953458-A-G.
Other names: c.136T>C, p.Ser46Pro (NM_000087.5, NM_001142564.2); short protein forms S46P.
Identifiers: ClinVar variation 1401990 (VCV001401990.9), dbSNP rs370181922, ClinGen allele CA2911369.